The following is an entry in ClinVar:

ClinVar aggregate classification (germline): Uncertain significance (1 of 4 stars; one submission).

Conditions:
Nephronophthisis. Also called: Juvenile Nephronophthisis. Identifiers: Orphanet 655, MedGen C0687120, MONDO:0019005, HP:0000090.

Allele frequency attached by ClinVar (database versions not stated): gnomAD exomes below 0.00001; gnomAD 0.00001.
gnomAD v4.1: 4 of 1,599,506 alleles (0.00025%); highest among the groups gnomAD compares: Non-Finnish European, 0.00017%; no homozygotes.

Submission:

Labcorp Genetics (formerly Invitae), Labcorp
Classification: Uncertain significance for Nephronophthisis. Last evaluated: 2020-12-14. Review status: criteria provided, single submitter. Criteria: Invitae Variant Classification Sherloc (09022015). Collection method: clinical testing. Allele origin: germline.
Comment: Algorithms developed to predict the effect of missense changes on protein structure and function are either unavailable or do not agree on the potential impact of this missense change (SIFT: "Deleterious"; PolyPhen-2: "Probably Damaging"; Align-GVGD: "Class C0"). This variant has not been reported in the literature in individuals with NPHP3-related conditions. This variant is not present in population databases (ExAC no frequency). This sequence change replaces glutamic acid with valine at codon 143 of the NPHP3 protein (p.Glu143Val). The glutamic acid residue is highly conserved and there is a moderate physicochemical difference between glutamic acid and valine. In summary, the available evidence is currently insufficient to determine the role of this variant in disease. Therefore, it has been classified as a Variant of Uncertain Significance.

NM_153240.5(NPHP3):c.428A>T (p.Glu143Val)

Genes: NPHP3 (nephrocystin 3; minus strand), NPHP3-ACAD11 (NPHP3-ACAD11 readthrough (NMD candidate); minus strand). Cytogenetic location: 3q22.1.
Variant type: single nucleotide variant.
Coding change: c.428A>T on transcript NM_153240.5 (MANE Select); coding-DNA position 428, A replaced by T.
Protein change: p.Glu143Val; replaces glutamic acid 143 with valine.
Molecular consequence: missense variant. On other transcripts: non-coding transcript variant (1).
Genome position (GRCh38, 1-based): chr3:132,719,796, T>A on the plus strand (A>T on the coding strand, the complement: NPHP3 is on the minus strand). VCF-style: chr3-132719796-T-A. GRCh37 (hg19) VCF-style: chr3-132438640-T-A.
Other names: short protein forms E143V.
Identifiers: ClinVar variation 1397416 (VCV001397416.7), dbSNP rs1576688460, ClinGen allele CA354588035.
Genomic context (GRCh38, chr3:132,719,796, plus strand): 5'-TGTTCAAATGTTGCTGCTCTCTCCATTGCTTGGTATTTCGCTTCTAAAGCACTTTCTTTT[T>A]CTCGAAGTATCTTCTGATACGTTTTTTGAAGTGCCTAGAATAATTTACCTTGTTATTTCC-3'
Protein context (NP_694972.3, residues 133-153): LQKTYQKILR[Glu143Val]KESALEAKYQ